The following is an entry in ClinVar:

NM_206933.4(USH2A):c.14824A>G (p.Ser4942Gly)

Gene: USH2A (usherin; minus strand). Cytogenetic location: 1q41.
Variant type: single nucleotide variant.
Coding change: c.14824A>G on transcript NM_206933.4 (MANE Select); coding-DNA position 14824, A replaced by G.
Protein change: p.Ser4942Gly; replaces serine 4942 with glycine.
Molecular consequence: missense variant.
Genome position (GRCh38, 1-based): chr1:215,640,702, T>C on the plus strand (A>G on the coding strand, the complement: USH2A is on the minus strand). VCF-style: chr1-215640702-T-C. GRCh37 (hg19) VCF-style: chr1-215814044-T-C.
Other names: short protein forms S4942G.
Identifiers: ClinVar variation 833530 (VCV000833530.12), dbSNP rs759844511, ClinGen allele CA1392907.
Genomic context (GRCh38, chr1:215,640,702, plus strand): 5'-TCAGTTGGCCGTTCAGGAGGAAGGTGTCACTCCAGTTCACACACACCACAGACAAATTGC[T>C]GTCCACCGAAAATGGGGCTCGGTACTGAGGCACTGTGGGGAGAAAGTTGTATGTTCTAAA-3'
Protein context (NP_996816.3, residues 4932-4952): PQYRAPFSVD[Ser4942Gly]NLSVVCVNWS

ClinVar aggregate classification (germline): Conflicting classifications of pathogenicity. Review status: criteria provided, conflicting classifications (1 of 4 stars). 4 submissions from 4 submitters: Uncertain significance (2); Likely benign (2). Last evaluated 2026-02-24.

Conditions:
Inborn genetic diseases. Identifiers: MedGen C0950123, MeSH D030342.
USH2A-related disorder. Also called: USH2A-related condition; USH2A-related disorders. Identifiers: MedGen CN239332.

Allele frequency attached by ClinVar (database versions not stated): gnomAD 0.00002; gnomAD exomes 0.00010 and 0.00021; ExAC 0.00012; TOPMed 0.00012.
gnomAD v4.1: 67 of 1,613,736 alleles (0.0042%); highest among the groups gnomAD compares: Admixed American, 0.11%; no homozygotes.

Submissions (4):

Ambry Genetics
Classification: Uncertain significance for Inborn genetic diseases. Last evaluated: 2026-02-24. Review status: criteria provided, single submitter. Criteria: Ambry Variant Classification Scheme 2023. Collection method: clinical testing. Allele origin: germline.

Labcorp Genetics (formerly Invitae), Labcorp
Classification: Likely benign. Last evaluated: 2025-11-12. Review status: criteria provided, single submitter. Criteria: Invitae Variant Classification Sherloc (09022015). Collection method: clinical testing. Allele origin: germline.

PreventionGenetics, part of Exact Sciences
Classification: Likely benign for USH2A-related condition. Last evaluated: 2025-08-04. Review status: criteria provided, single submitter. Criteria: ACMG Guidelines, 2015. Collection method: clinical testing. Allele origin: germline.
Comment: This variant is classified as likely benign based on ACMG/AMP sequence variant interpretation guidelines (Richards et al. 2015 PMID: 25741868, with internal and published modifications).

Blueprint Genetics
Classification: Uncertain significance. Last evaluated: 2024-09-21. Review status: criteria provided, single submitter. Criteria: ACMG Guidelines, 2015. Collection method: clinical testing. Allele origin: germline.